The following is an entry in ClinVar:

ClinVar aggregate classification (germline): Uncertain significance (1 of 4 stars; one submission).

Submission:

Labcorp Genetics (formerly Invitae), Labcorp
Classification: Uncertain significance. Last evaluated: 2025-11-17. Review status: criteria provided, single submitter. Criteria: Invitae Variant Classification Sherloc (09022015). Collection method: clinical testing. Allele origin: germline.
Comment: This sequence change replaces alanine, which is neutral and non-polar, with aspartic acid, which is acidic and polar, at codon 841 of the CACNA1E protein (p.Ala841Asp). This variant is not present in population databases (gnomAD no frequency). This variant has not been reported in the literature in individuals affected with CACNA1E-related conditions. Invitae Evidence Modeling of protein sequence and biophysical properties (such as structural, functional, and spatial information, amino acid conservation, physicochemical variation, residue mobility, and thermodynamic stability) has been performed for this missense variant. However, the output from this modeling did not meet the statistical confidence thresholds required to predict the impact of this variant on CACNA1E protein function. In summary, the available evidence is currently insufficient to determine the role of this variant in disease. Therefore, it has been classified as a Variant of Uncertain Significance.

NM_001205293.3(CACNA1E):c.2522C>A (p.Ala841Asp)

Gene: CACNA1E (calcium voltage-gated channel subunit alpha1 E; plus strand). Cytogenetic location: 1q25.3.
Variant type: single nucleotide variant.
Coding change: c.2522C>A on transcript NM_001205293.3 (MANE Select); coding-DNA position 2522, C replaced by A.
Protein change: p.Ala841Asp; replaces alanine 841 with aspartic acid.
Molecular consequence: missense variant.
Genome position (GRCh38, 1-based): chr1:181,732,608, C>A. VCF-style: chr1-181732608-C-A. GRCh37 (hg19) VCF-style: chr1-181701744-C-A.
Other names: c.2522C>A, p.Ala841Asp (NM_000721.4); c.2465C>A, p.Ala822Asp (NM_001205294.2); short protein forms A822D, A841D.
Identifiers: ClinVar variation 4806931 (VCV004806931.1).